The following is an entry in ClinVar:

ClinVar aggregate classification (germline): Likely benign (0 of 4 stars; one submission).

Conditions:
DEPDC5-related disorder. Also called: DEPDC5-related related disorder; DEPDC5-related condition.

Submission:

PreventionGenetics, part of Exact Sciences
Classification: Likely benign for DEPDC5-related condition. Last evaluated: 2019-09-26. Review status: no assertion criteria provided. Collection method: clinical testing. Allele origin: germline.
Comment: This variant is classified as likely benign based on ACMG/AMP sequence variant interpretation guidelines (Richards et al. 2015 PMID: 25741868, with internal and published modifications).

NM_001242896.3(DEPDC5):c.1666+189_1666+195del

Gene: DEPDC5 (DEP domain containing 5, GATOR1 subcomplex subunit; plus strand). Cytogenetic location: 22q12.3.
Variant type: Deletion.
Coding change: c.1666+189_1666+195del on transcript NM_001242896.3 (MANE Select); bases 189 to 195 of the intron after coding-DNA position 1666, 7 bases deleted (TTTTTTT; older notation c.1666+189_1666+195delTTTTTTT).
Molecular consequence: intron variant.
Genome position (GRCh38, 1-based): chr22:31,815,401-31,815,407, TTTTTTT deleted; deleting any 7 consecutive bases within chr22:31,815,386-31,815,407 gives the same sequence; the c. name uses the placement nearest the transcript's 3' end. VCF-style (leftmost placement, unchanged base first): chr22-31815385-CTTTTTTT-C. GRCh37 (hg19) VCF-style: chr22-32211371-CTTTTTTT-C.
Other names: c.1666+189_1666+195del (NM_001364318.2, NM_001136029.4, NM_014662.6 and 6 more transcripts); c.1582+189_1582+195del (NM_001369902.1, NM_001369901.1); c.1667-15_1667-9del (NM_001007188.4).
Identifiers: ClinVar variation 3033951 (VCV003033951.2), dbSNP rs10712869, ClinGen allele CA1025124829.